The following is an entry in ClinVar:

NM_174934.4(SCN4B):c.22G>A (p.Gly8Ser)

Gene: SCN4B (sodium voltage-gated channel beta subunit 4; minus strand). Cytogenetic location: 11q23.3.
Variant type: single nucleotide variant.
Coding change: c.22G>A on transcript NM_174934.4 (MANE Select); coding-DNA position 22, G replaced by A.
Protein change: p.Gly8Ser; replaces glycine 8 with serine.
Molecular consequence: missense variant.
Genome position (GRCh38, 1-based): chr11:118,152,652, C>T on the plus strand (G>A on the coding strand, the complement: SCN4B is on the minus strand). VCF-style: chr11-118152652-C-T. GRCh37 (hg19) VCF-style: chr11-118023367-C-T.
Other names: p.G8S:GGC>AGC; c.22G>A, p.Gly8Ser (NM_001142348.2); short protein forms G8S.
Identifiers: ClinVar variation 190890 (VCV000190890.21), dbSNP rs149868494, ClinGen allele CA235710.

ClinVar aggregate classification (germline): Conflicting classifications of pathogenicity. Review status: criteria provided, conflicting classifications (1 of 4 stars). 7 submissions from 7 submitters: Uncertain significance (1); Benign (3); Likely benign (2). 1 of the submissions does not count toward it. Last evaluated 2025-11-09.

Conditions:
SCN4B-related disorder. Also called: SCN4B-related condition.
Cardiovascular phenotype. Identifiers: MedGen CN230736.
Long QT syndrome 10 (LQT10). Identifiers: Orphanet 101016, Orphanet 768, MedGen C2678484, MONDO:0012737, OMIM 611819.

Allele frequency attached by ClinVar (database versions not stated): gnomAD 0.00015 and 0.00009; 1000 Genomes Project 0.00060; gnomAD exomes 0.00041 and 0.00022; ExAC 0.00047; 1000 Genomes Project 30x 0.00062; TOPMed 0.00022.
gnomAD v4.1: 334 of 1,611,590 alleles (0.021%); highest among the groups gnomAD compares: East Asian, 0.64%; 2 homozygotes.

Submissions (7):

Labcorp Genetics (formerly Invitae), Labcorp
Classification: Benign for Long QT syndrome 10. Last evaluated: 2025-11-09. Review status: criteria provided, single submitter. Criteria: Invitae Variant Classification Sherloc (09022015). Collection method: clinical testing. Allele origin: germline.

GeneDx
Classification: Likely benign. Last evaluated: 2021-02-11. Review status: criteria provided, single submitter. Criteria: GeneDx Variant Classification Process June 2021. Collection method: clinical testing. Allele origin: germline. Affected: yes.
Comment: This variant is associated with the following publications: (PMID: 31020414, 30821358)

Women's Health and Genetics/Laboratory Corporation of America, LabCorp
Classification: Benign. Last evaluated: 2017-03-06. Review status: criteria provided, single submitter. Criteria: LabCorp Variant Classification Summary - May 2015. Collection method: clinical testing. Allele origin: germline.
Comment: Variant summary: The SCN4B c.22G>A (p.Gly8Ser) variant involves the alteration of a conserved nucleotide, which 3/4 in silico tools (SNPs&GO not captured due to low reliability index) predict a damaging outcome, however, these predictions have yet to be functionally assessed. The variant of interest was observed in the large, broad control population, ExAC, with an allele frequency of 52/109666 control chromosomes, predominantly observed in the East Asian subpopulation at a frequency of 0.005546 (46/8294). This frequency is about 555 times the estimated maximal expected allele frequency of a pathogenic SCN4B variant (0.00001), suggesting this is likely a benign polymorphism found primarily in population(s) of East Asian origin. The variant of interest has not, to our knowledge, been reported in affected individuals via publications. Multiple clinical diagnostic laboratories classified this variant as likely benign/benign. Therefore, the variant of interest has been classified as Benign.

Ambry Genetics
Classification: Likely benign for Cardiovascular phenotype. Last evaluated: 2016-06-07. Review status: criteria provided, single submitter. Criteria: Ambry Variant Classification Scheme 2023. Collection method: clinical testing. Allele origin: germline.

Stanford Center for Inherited Cardiovascular Disease, Stanford University
Classification: Benign. Last evaluated: 2015-05-26. Review status: criteria provided, single submitter. Criteria: ACMG Guidelines, 2015. Collection method: provider interpretation. Allele origin: germline.

Biesecker Lab/Clinical Genomics Section, National Institutes of Health
Classification: Uncertain significance. Last evaluated: 2013-06-24. Review status: criteria provided, single submitter. Criteria: Ng et al. (Circ Cardiovasc Genet. 2013). Collection method: research. Allele origin: unknown. Observed: 1 variant allele. Study: ClinSeq.
Comment: The study set was not selected for affection status in relation to any cancer. Pathogenicity categories were based on literature curation. See Pubmed ID:23861362 for details.

Medical sequencing

PreventionGenetics, part of Exact Sciences
Classification: Likely benign for SCN4B-related condition. Last evaluated: 2019-04-01. Review status: no assertion criteria provided. Collection method: clinical testing. Allele origin: germline. Not counted in ClinVar's aggregate classification.
Comment: This variant is classified as likely benign based on ACMG/AMP sequence variant interpretation guidelines (Richards et al. 2015 PMID: 25741868, with internal and published modifications).